The following is an entry in ClinVar:

NC_000007.13:g.(?_91842489)_(91871449_?)del

Gene: KRIT1 (KRIT1 ankyrin repeat containing; minus strand). Cytogenetic location: 7q21.2.
Variant type: Deletion.
Identifiers: ClinVar variation 1457201 (VCV001457201.5).

ClinVar aggregate classification (germline): Pathogenic (1 of 4 stars; one submission).

Conditions:
Cerebral cavernous malformation (CCM). Also called: Cerebral cavernous hemangioma (type); CAVERNOUS ANGIOMA, FAMILIAL; CAVERNOUS ANGIOMATOUS MALFORMATIONS; CEREBRAL CAPILLARY MALFORMATIONS; Cerebral cavernous malformations; Cavernous Hemangioma of Brain. Identifiers: Orphanet 221061, MedGen C2919945, MONDO:0000820, OMIM 116860, HP:0033522.

Submission:

Labcorp Genetics (formerly Invitae), Labcorp
Classification: Pathogenic for Cerebral cavernous malformation. Last evaluated: 2023-08-22. Review status: criteria provided, single submitter. Criteria: Invitae Variant Classification Sherloc (09022015). Collection method: clinical testing. Allele origin: germline.
Comment: This variant is a gross deletion of the genomic region encompassing exon(s) 5-18 of the KRIT1 gene, which includes the initiator codon. This deletion extends beyond the assayed region for this gene and therefore may encompass additional genes. It is expected to result in an absent or disrupted protein product. Loss-of-function variants in KRIT1 are known to be pathogenic (PMID: 10508515, 11222804, 12404106, 24689081). This variant has not been reported in the literature in individuals affected with KRIT1-related conditions. For these reasons, this variant has been classified as Pathogenic.

Literature cited by the submitters: PubMed 10508515; PubMed 11222804; PubMed 12404106; PubMed 24689081.